The following is an entry in ClinVar:

ClinVar aggregate classification (germline): Uncertain significance (1 of 4 stars; one submission).

Allele frequency attached by ClinVar (database versions not stated): gnomAD exomes below 0.00001.
gnomAD v4.1: 1 of 1,613,930 alleles (0.000062%); highest among the groups gnomAD compares: Non-Finnish European, 0.000085%; no homozygotes.

Submission:

Labcorp Genetics (formerly Invitae), Labcorp
Classification: Uncertain significance. Last evaluated: 2023-02-19. Review status: criteria provided, single submitter. Criteria: Invitae Variant Classification Sherloc (09022015). Collection method: clinical testing. Allele origin: germline.
Comment: In summary, the available evidence is currently insufficient to determine the role of this variant in disease. Therefore, it has been classified as a Variant of Uncertain Significance. An algorithm developed to predict the effect of missense changes on protein structure and function (PolyPhen-2) suggests that this variant is likely to be disruptive. This variant has not been reported in the literature in individuals affected with CAMK2B-related conditions. This variant is not present in population databases (gnomAD no frequency). This sequence change replaces proline, which is neutral and non-polar, with leucine, which is neutral and non-polar, at codon 379 of the CAMK2B protein (p.Pro379Leu).

NM_001220.5(CAMK2B):c.1136C>T (p.Pro379Leu)

Gene: CAMK2B (calcium/calmodulin dependent protein kinase II beta; minus strand). Cytogenetic location: 7p13.
Variant type: single nucleotide variant.
Coding change: c.1136C>T on transcript NM_001220.5 (MANE Select); coding-DNA position 1136, C replaced by T.
Protein change: p.Pro379Leu; replaces proline 379 with leucine.
Molecular consequence: missense variant. On other transcripts: intron variant (3).
Genome position (GRCh38, 1-based): chr7:44,232,862, G>A on the plus strand (C>T on the coding strand, the complement: CAMK2B is on the minus strand). VCF-style: chr7-44232862-G-A. GRCh37 (hg19) VCF-style: chr7-44272461-G-A.
Other names: c.987+1777C>T (NM_172083.3); c.1059+1528C>T (NM_172081.3); c.1136C>T, p.Pro379Leu (NM_001293170.2, NM_172078.3); c.1064C>T, p.Pro355Leu (NM_172079.3, NM_172082.3); c.1061C>T, p.Pro354Leu (NM_172080.3); c.946+7845C>T (NM_172084.3); short protein forms P354L, P355L, P379L.
Identifiers: ClinVar variation 2839028 (VCV002839028.3), dbSNP rs2485600122, ClinGen allele CA367376434.
Genomic context (GRCh38, chr7:44,232,862, plus strand): 5'-GGAGGAAAGTGGGGCAGTACCTTAATCCCGTCCACTGGGTTATGGATGACGGTGGTTTGA[G>A]GCTCCTACAGAAGAAGGAAGACACAGAGGAAGGAAAGAGAGGGAAAGTGAGAAGAGGAGG-3'
Protein context (NP_001211.3, residues 369-389): KGTLPPAALE[Pro379Leu]QTTVIHNPVD